The following is an entry in ClinVar:

ClinVar aggregate classification (germline): Likely benign (0 of 4 stars; one submission).

Conditions:
BCOR-related disorder. Also called: BCOR-related disorders; BCOR-related condition.

gnomAD v4.1: 23 of 1,209,416 alleles (0.0019%); highest among the groups gnomAD compares: East Asian, 0.036%; no homozygotes.

Submission:

PreventionGenetics, part of Exact Sciences
Classification: Likely benign for BCOR-related condition. Last evaluated: 2024-05-10. Review status: no assertion criteria provided. Collection method: clinical testing. Allele origin: germline.
Comment: This variant is classified as likely benign based on ACMG/AMP sequence variant interpretation guidelines (Richards et al. 2015 PMID: 25741868, with internal and published modifications).

NM_001123385.2(BCOR):c.494C>T (p.Ala165Val)

Genes: BCOR (BCL6 corepressor; minus strand), LOC126863239 (MED14-independent group 3 enhancer GRCh37_chrX:39932994-39934193; plus strand). Cytogenetic location: Xp11.4.
Variant type: single nucleotide variant.
Coding change: c.494C>T on transcript NM_001123385.2 (MANE Select); coding-DNA position 494, C replaced by T.
Protein change: p.Ala165Val; replaces alanine 165 with valine.
Molecular consequence: missense variant.
Genome position (GRCh38, 1-based): chrX:40,074,852, G>A on the plus strand (C>T on the coding strand, the complement: BCOR is on the minus strand). VCF-style: chrX-40074852-G-A. GRCh37 (hg19) VCF-style: chrX-39934105-G-A.
Other names: c.494C>T, p.Ala165Val (NM_001123383.2, NM_001123384.2, NM_017745.6); short protein forms A165V.
Identifiers: ClinVar variation 3349452 (VCV003349452.1).